The following is an entry in ClinVar:

NM_005257.6(GATA6):c.151G>A (p.Glu51Lys)

Gene: GATA6 (GATA binding protein 6; plus strand). Cytogenetic location: 18q11.2.
Variant type: single nucleotide variant.
Coding change: c.151G>A on transcript NM_005257.6 (MANE Select); coding-DNA position 151, G replaced by A.
Protein change: p.Glu51Lys; replaces glutamic acid 51 with lysine.
Molecular consequence: missense variant.
Genome position (GRCh38, 1-based): chr18:22,171,295, G>A. VCF-style: chr18-22171295-G-A. GRCh37 (hg19) VCF-style: chr18-19751256-G-A.
Other names: c.151G>A (NM_005257.5); short protein forms E51K.
Identifiers: ClinVar variation 1114408 (VCV001114408.12), dbSNP rs770662152, ClinGen allele CA8908827.

ClinVar aggregate classification (germline): Conflicting classifications of pathogenicity. Review status: criteria provided, conflicting classifications (1 of 4 stars). 3 submissions from 3 submitters: Uncertain significance (1); Likely benign (2). Last evaluated 2025-10-07.

Conditions:
Atrioventricular septal defect 5 (AVSD5). Identifiers: MedGen C3280939, MONDO:0013769, OMIM 614474.
GATA6-related disorder. Also called: GATA6-related condition.

Allele frequency attached by ClinVar (database versions not stated): gnomAD 0.00007 and 0.00009; 1000 Genomes Project 30x 0.00016; ExAC 0.00018.
gnomAD v4.1: 115 of 1,593,216 alleles (0.0072%); highest among the groups gnomAD compares: East Asian, 0.23%; no homozygotes.

Submissions (3):

Labcorp Genetics (formerly Invitae), Labcorp
Classification: Likely benign for Atrioventricular septal defect 5. Last evaluated: 2025-10-07. Review status: criteria provided, single submitter. Criteria: Invitae Variant Classification Sherloc (09022015). Collection method: clinical testing. Allele origin: germline.

PreventionGenetics, part of Exact Sciences
Classification: Likely benign for GATA6-related condition. Last evaluated: 2024-10-17. Review status: criteria provided, single submitter. Criteria: ACMG Guidelines, 2015. Collection method: clinical testing. Allele origin: germline.
Comment: This variant is classified as likely benign based on ACMG/AMP sequence variant interpretation guidelines (Richards et al. 2015 PMID: 25741868, with internal and published modifications).

Mendelics
Classification: Uncertain significance. Last evaluated: 2022-05-04. Review status: criteria provided, single submitter. Criteria: Mendelics Assertion Criteria 2019. Collection method: clinical testing. Allele origin: germline.